The following is an entry in ClinVar:

ClinVar aggregate classification (germline): Uncertain significance (1 of 4 stars; one submission).

Conditions:
Charcot-Marie-Tooth disease type 4C (CMT4C). Also called: CHARCOT-MARIE-TOOTH DISEASE, DEMYELINATING, TYPE 4C; CMT 4C; CHARCOT-MARIE-TOOTH DISEASE, DEMYELINATING, AUTOSOMAL RECESSIVE, TYPE 4C; Charcot-Marie-Tooth Neuropathy Type 4C (CMT4C); SH3TC2-Related Hereditary Motor and Sensory Neuropathy. Identifiers: Orphanet 99949, MedGen C1866636, MONDO:0011113, OMIM 601596.

Allele frequency attached by ClinVar (database versions not stated): gnomAD exomes below 0.00001.
gnomAD v4.1: 2 of 1,614,108 alleles (0.00012%); highest among the groups gnomAD compares: Admixed American, 0.0017%; no homozygotes.

Submission:

Baylor Genetics
Classification: Uncertain significance for Charcot-Marie-Tooth disease type 4C. Last evaluated: 2018-04-11. Review status: criteria provided, single submitter. Criteria: ACMG Guidelines, 2015. Collection method: clinical testing. Allele origin: paternal. Affected: yes.
Comment: This variant was determined to be of uncertain significance according to ACMG Guidelines, 2015 [PMID:25741868].

NM_024577.4(SH3TC2):c.3804C>T (p.Ser1268=)

Gene: SH3TC2 (SH3 domain and tetratricopeptide repeats 2; minus strand). Cytogenetic location: 5q32.
Variant type: single nucleotide variant.
Coding change: c.3804C>T on transcript NM_024577.4 (MANE Select); coding-DNA position 3804, C replaced by T.
Protein change: p.Ser1268=; no amino-acid change (serine 1268 retained).
Molecular consequence: synonymous variant.
Genome position (GRCh38, 1-based): chr5:149,004,774, G>A on the plus strand (C>T on the coding strand, the complement: SH3TC2 is on the minus strand). VCF-style: chr5-149004774-G-A. GRCh37 (hg19) VCF-style: chr5-148384337-G-A.
Identifiers: ClinVar variation 1031378 (VCV001031378.1), dbSNP rs1434453673, ClinGen allele CA447110222.